The following is an entry in ClinVar:

ClinVar aggregate classification (germline): Conflicting classifications of pathogenicity. Review status: criteria provided, conflicting classifications (1 of 4 stars). 2 submissions from 2 submitters: Likely pathogenic (1); Uncertain significance (1). Last evaluated 2022-06-27.

Conditions:
BBS5-related disorder. Also called: BBS5-related condition.
Bardet-Biedl syndrome (BBS). Identifiers: Orphanet 110, MedGen C0752166, MONDO:0015229.

Submissions (2):

Labcorp Genetics (formerly Invitae), Labcorp
Classification: Uncertain significance for Bardet-Biedl syndrome. Last evaluated: 2022-06-27. Review status: criteria provided, single submitter. Criteria: Invitae Variant Classification Sherloc (09022015). Collection method: clinical testing. Allele origin: germline.
Comment: In summary, the available evidence is currently insufficient to determine the role of this variant in disease. Therefore, it has been classified as a Variant of Uncertain Significance. This variant has not been reported in the literature in individuals affected with BBS5-related conditions. This variant is not present in population databases (gnomAD no frequency). This sequence change results in a frameshift in the BBS5 gene (p.Lys326Ilefs*53). While this is not anticipated to result in nonsense mediated decay, it is expected to disrupt the last 16 amino acid(s) of the BBS5 protein and extend the protein by 36 additional amino acid residues.

Blueprint Genetics
Classification: Likely pathogenic for BBS5-related disorders. Last evaluated: 2018-08-01. Review status: criteria provided, single submitter. Criteria: ACMG Guidelines, 2015. Collection method: clinical testing. Allele origin: germline. Affected: yes. Observed: 1 variant allele.

NM_152384.3(BBS5):c.977_978del (p.Lys326fs)

Gene: BBS5 (Bardet-Biedl syndrome 5; plus strand). Cytogenetic location: 2q31.1.
Variant type: Deletion.
Coding change: c.977_978del on transcript NM_152384.3 (MANE Select); coding-DNA positions 977 to 978, 2 bases deleted (AA; older notation c.977_978delAA).
Protein change: p.Lys326fs; shifts the reading frame from lysine 326.
Molecular consequence: frameshift variant.
Genome position (GRCh38, 1-based): chr2:169,504,533-169,504,534, AA deleted; deleting any 2 consecutive bases within chr2:169,504,532-169,504,534 gives the same sequence; the c. name uses the placement nearest the transcript's 3' end. VCF-style (leftmost placement, unchanged base first): chr2-169504531-GAA-G. GRCh37 (hg19) VCF-style: chr2-170361041-GAA-G.
Other names: short protein forms K326fs.
Identifiers: ClinVar variation 1471620 (VCV001471620.6), dbSNP rs2105304387, ClinGen allele CA2573133675.